The following is an entry in ClinVar:

ClinVar aggregate classification (germline): Conflicting classifications of pathogenicity. Review status: criteria provided, conflicting classifications (1 of 4 stars). 2 submissions from 2 submitters: Uncertain significance (1); Likely benign (1). Last evaluated 2025-07-15.

Conditions:
Inborn genetic diseases. Identifiers: MedGen C0950123, MeSH D030342.
Neuropathy, hereditary sensory and autonomic, type 2A (HSAN2A). Also called: HSAN IIA; MORVAN DISEASE; NEUROPATHY, CONGENITAL SENSORY; NEUROPATHY, HEREDITARY SENSORY RADICULAR, AUTOSOMAL RECESSIVE; NEUROPATHY, HEREDITARY SENSORY, TYPE IIA; NEUROPATHY, PROGRESSIVE SENSORY, OF CHILDREN. Identifiers: Orphanet 970, MedGen C2752089, MONDO:0024309, OMIM 201300.
Generalized epilepsy with febrile seizures plus, type 7 (GEFSP7). Also called: GEFS+, TYPE 7. Identifiers: Orphanet 36387, MedGen C2751778, MONDO:0013470, OMIM 613863.

Allele frequency attached by ClinVar (database versions not stated): TOPMed below 0.00001; ExAC 0.00001; gnomAD 0.00001; gnomAD exomes 0.00003.
gnomAD v4.1: 43 of 1,613,772 alleles (0.0027%); highest among the groups gnomAD compares: Non-Finnish European, 0.0036%; no homozygotes.

Submissions (2):

Labcorp Genetics (formerly Invitae), Labcorp
Classification: Uncertain significance for Neuropathy, hereditary sensory and autonomic, type 2A; Generalized epilepsy with febrile seizures plus, type 7. Last evaluated: 2025-07-15. Review status: criteria provided, single submitter. Criteria: Invitae Variant Classification Sherloc (09022015). Collection method: clinical testing. Allele origin: germline.
Comment: This sequence change replaces serine, which is neutral and polar, with asparagine, which is neutral and polar, at codon 508 of the SCN9A protein (p.Ser508Asn). The frequency data for this variant in the population databases is considered unreliable, as metrics indicate poor data quality at this position in the gnomAD database. This variant has not been reported in the literature in individuals affected with SCN9A-related conditions. ClinVar contains an entry for this variant (Variation ID: 2066330). Invitae Evidence Modeling of protein sequence and biophysical properties (such as structural, functional, and spatial information, amino acid conservation, physicochemical variation, residue mobility, and thermodynamic stability) indicates that this missense variant is not expected to disrupt SCN9A protein function with a negative predictive value of 95%. In summary, the available evidence is currently insufficient to determine the role of this variant in disease. Therefore, it has been classified as a Variant of Uncertain Significance.

Ambry Genetics
Classification: Likely benign for Inborn genetic diseases. Last evaluated: 2024-09-02. Review status: criteria provided, single submitter. Criteria: Ambry Variant Classification Scheme 2023. Collection method: clinical testing. Allele origin: germline.

NM_001365536.1(SCN9A):c.1523G>A (p.Ser508Asn)

Genes: SCN1A-AS1 (SCN1A and SCN9A antisense RNA 1; plus strand), SCN9A (sodium voltage-gated channel alpha subunit 9; minus strand). Cytogenetic location: 2q24.3.
Variant type: single nucleotide variant.
Coding change: c.1523G>A on transcript NM_001365536.1 (MANE Select); coding-DNA position 1523, G replaced by A.
Protein change: p.Ser508Asn; replaces serine 508 with asparagine.
Molecular consequence: missense variant.
Genome position (GRCh38, 1-based): chr2:166,286,415, C>T on the plus strand (G>A on the coding strand, the complement: SCN9A is on the minus strand). VCF-style: chr2-166286415-C-T. GRCh37 (hg19) VCF-style: chr2-167142925-C-T.
Other names: c.1523G>A, p.Ser508Asn (NM_002977.4); short protein forms S508N.
Identifiers: ClinVar variation 2066330 (VCV002066330.5), dbSNP rs765126771, ClinGen allele CA1944495.
Genomic context (GRCh38, chr2:166,286,415, plus strand): 5'-CTCTTTTCATGTGCTCGCCTATGCCCTTCGACACCAAGGTGGAAACTTTTTCTTCTGATG[C>T]TGTCCTCTGATTCTGATTTCGACAATTTCTCAGCATCTCCCTTTTCCTCTCCACTGGAGA-3'
Protein context (NP_001352465.1, residues 498-518): EKLSKSESED[Ser508Asn]IRRKSFHLGV